The following is an entry in ClinVar:

ClinVar aggregate classification (germline): Benign/Likely benign. Review status: criteria provided, multiple submitters, no conflicts (2 of 4 stars). 4 submissions from 4 submitters: Benign (1); Likely benign (3). Last evaluated 2025-07-07.

Conditions:
Chuvash polycythemia. Also called: POLYCYTHEMIA, VHL-DEPENDENT. Identifiers: Orphanet 238557, MedGen C1837915, MONDO:0009892, OMIM 263400.
Von Hippel-Lindau syndrome (VHLS). Also called: von Hippel–Lindau syndrome; VHL syndrome; Von Hippel-Lindau. Identifiers: Orphanet 892, MedGen C0019562, MONDO:0008667, OMIM 193300. Disease mechanism: loss of function.
Hereditary cancer-predisposing syndrome. Also called: Neoplastic Syndromes, Hereditary; Tumor predisposition; Hereditary neoplastic syndrome; Hereditary Cancer Syndrome. Identifiers: Orphanet 140162, MedGen C0027672, MeSH D009386, MONDO:0015356.

Submissions (4):

Color Diagnostics, LLC DBA Color Health
Classification: Likely benign for Von Hippel-Lindau syndrome. Last evaluated: 2025-07-07. Review status: criteria provided, single submitter. Criteria: ACMG Guidelines, 2015. Collection method: clinical testing. Allele origin: germline.

Myriad Genetics, Inc.
Classification: Benign for Von Hippel-Lindau syndrome. Last evaluated: 2025-06-10. Review status: criteria provided, single submitter. Criteria: Myriad Autosomal Dominant, Autosomal Recessive and X-Linked Classification Criteria (2023). Collection method: clinical testing. Allele origin: unknown.
Comment: This variant is considered benign. This variant is a silent/synonymous amino acid change and it is not expected to impact splicing.

Labcorp Genetics (formerly Invitae), Labcorp
Classification: Likely benign for Von Hippel-Lindau syndrome; Chuvash polycythemia. Last evaluated: 2023-09-22. Review status: criteria provided, single submitter. Criteria: Invitae Variant Classification Sherloc (09022015). Collection method: clinical testing. Allele origin: germline.

Ambry Genetics
Classification: Likely benign for Hereditary cancer-predisposing syndrome. Last evaluated: 2023-02-12. Review status: criteria provided, single submitter. Criteria: Ambry Variant Classification Scheme 2023. Collection method: clinical testing. Allele origin: germline.

NM_000551.4(VHL):c.240T>C (p.Ser80=)

Gene: VHL (von Hippel-Lindau tumor suppressor; plus strand). Cytogenetic location: 3p25.3.
Variant type: single nucleotide variant.
Coding change: c.240T>C on transcript NM_000551.4 (MANE Select); coding-DNA position 240, T replaced by C.
Protein change: p.Ser80=; no amino-acid change (serine 80 retained).
Molecular consequence: synonymous variant.
Genome position (GRCh38, 1-based): chr3:10,142,087, T>C. VCF-style: chr3-10142087-T-C. GRCh37 (hg19) VCF-style: chr3-10183771-T-C.
Other names: c.240T>C, p.Ser80= (NM_001354723.2, NM_198156.3).
Identifiers: ClinVar variation 526699 (VCV000526699.15), dbSNP rs1553619424, ClinGen allele CA432420444.
Genomic context (GRCh38, chr3:10,142,087, plus strand): 5'-GCCCGTGCTGCGCTCGGTGAACTCGCGCGAGCCCTCCCAGGTCATCTTCTGCAATCGCAG[T>C]CCGCGCGTCGTGCTGCCCGTATGGCTCAACTTCGACGGCGAGCCGCAGCCCTACCCAACG-3'
Protein context (NP_000542.1, residues 70-90): EPSQVIFCNR[Ser80=]PRVVLPVWLN